The following is an entry in ClinVar:

ClinVar aggregate classification (germline): Uncertain significance. Review status: criteria provided, multiple submitters, no conflicts (2 of 4 stars). 3 submissions from 3 submitters: Uncertain significance (3). Last evaluated 2024-05-13.

Conditions:
Familial thoracic aortic aneurysm and aortic dissection (TAAD). Also called: Thoracic aortic aneurysms and dissections. Identifiers: Orphanet 91387, MedGen C4707243, MONDO:0019625.
Ehlers-Danlos syndrome, kyphoscoliotic type 1 (EDSKSCL1). Also called: Ehlers-Danlos syndrome, hydroxylysine-deficient; PLOD1-Related Kyphoscoliotic Ehlers-Danlos Syndrome; EHLERS-DANLOS SYNDROME, OCULAR-SCOLIOTIC TYPE; EHLERS-DANLOS SYNDROME, TYPE VIA. Identifiers: Orphanet 1900, MedGen C0268342, MONDO:0016002, OMIM 225400. Disease mechanism: loss of function.

Allele frequency attached by ClinVar (database versions not stated): gnomAD exomes 0.00001; ExAC 0.00004; gnomAD 0.00006 and 0.00007; ESP Exome Variant Server 0.00008; TOPMed 0.00009.
gnomAD v4.1: 18 of 1,601,050 alleles (0.0011%); highest among the groups gnomAD compares: African/African-American, 0.023%; no homozygotes.

Submissions (3):

Ambry Genetics
Classification: Uncertain significance for Familial thoracic aortic aneurysm and aortic dissection. Last evaluated: 2024-05-13. Review status: criteria provided, single submitter. Criteria: Ambry Variant Classification Scheme 2023. Collection method: clinical testing. Allele origin: germline.

Women's Health and Genetics/Laboratory Corporation of America, LabCorp
Classification: Uncertain significance. Last evaluated: 2023-07-21. Review status: criteria provided, single submitter. Criteria: LabCorp Variant Classification Summary - May 2015. Collection method: clinical testing. Allele origin: germline.

Labcorp Genetics (formerly Invitae), Labcorp
Classification: Uncertain significance for Ehlers-Danlos syndrome, kyphoscoliotic type 1. Last evaluated: 2022-08-23. Review status: criteria provided, single submitter. Criteria: Invitae Variant Classification Sherloc (09022015). Collection method: clinical testing. Allele origin: germline.
Comment: This sequence change replaces aspartic acid, which is acidic and polar, with glycine, which is neutral and non-polar, at codon 372 of the PLOD1 protein (p.Asp372Gly). This variant is present in population databases (rs377497101, gnomAD 0.02%). This variant has not been reported in the literature in individuals affected with PLOD1-related conditions. ClinVar contains an entry for this variant (Variation ID: 960082). Algorithms developed to predict the effect of missense changes on protein structure and function are either unavailable or do not agree on the potential impact of this missense change (SIFT: "Deleterious"; PolyPhen-2: "Benign"; Align-GVGD: "Class C0"). In summary, the available evidence is currently insufficient to determine the role of this variant in disease. Therefore, it has been classified as a Variant of Uncertain Significance.

NM_000302.4(PLOD1):c.1115A>G (p.Asp372Gly)

Gene: PLOD1 (procollagen-lysine,2-oxoglutarate 5-dioxygenase 1; plus strand). Cytogenetic location: 1p36.22.
Variant type: single nucleotide variant.
Coding change: c.1115A>G on transcript NM_000302.4 (MANE Select); coding-DNA position 1115, A replaced by G.
Protein change: p.Asp372Gly; replaces aspartic acid 372 with glycine.
Molecular consequence: missense variant.
Genome position (GRCh38, 1-based): chr1:11,963,549, A>G. VCF-style: chr1-11963549-A-G. GRCh37 (hg19) VCF-style: chr1-12023606-A-G.
Other names: c.1256A>G, p.Asp419Gly (NM_001316320.2); short protein forms D419G, D372G.
Identifiers: ClinVar variation 960082 (VCV000960082.11), dbSNP rs377497101, ClinGen allele CA598293.
Genomic context (GRCh38, chr1:11,963,549, plus strand): 5'-CTCCAGGATCAGGTGCACTGACCCTGTGTCCTCCTCCTTGCAGAGACCTGTGCCGGCAGG[A>G]CCGCAGCTGCACCTACTACTTCAGCGTGGATGCTGACGTGGCCCTGACCGAGCCCAACAG-3'
Protein context (NP_000293.2, residues 362-382): RNMGADLCRQ[Asp372Gly]RSCTYYFSVD